The following is an entry in ClinVar:

ClinVar aggregate classification (germline): Uncertain significance (1 of 4 stars; one submission).

Conditions:
Joubert syndrome 15 (JBTS15). Identifiers: Orphanet 475, MedGen C3280897, MONDO:0013763, OMIM 614464.

gnomAD v4.1: 4 of 1,614,126 alleles (0.00025%); highest among the groups gnomAD compares: Non-Finnish European, 0.00034%; no homozygotes.

Submission:

Labcorp Genetics (formerly Invitae), Labcorp
Classification: Uncertain significance for Joubert syndrome 15. Last evaluated: 2022-06-18. Review status: criteria provided, single submitter. Criteria: Invitae Variant Classification Sherloc (09022015). Collection method: clinical testing. Allele origin: germline.
Comment: This sequence change replaces valine, which is neutral and non-polar, with phenylalanine, which is neutral and non-polar, at codon 190 of the CEP41 protein (p.Val190Phe). This variant is present in population databases (no rsID available, gnomAD 0.002%). This variant has not been reported in the literature in individuals affected with CEP41-related conditions. Algorithms developed to predict the effect of missense changes on protein structure and function are either unavailable or do not agree on the potential impact of this missense change (SIFT: "Deleterious"; PolyPhen-2: "Possibly Damaging"; Align-GVGD: "Class C0"). In summary, the available evidence is currently insufficient to determine the role of this variant in disease. Therefore, it has been classified as a Variant of Uncertain Significance.

NM_018718.3(CEP41):c.568G>T (p.Val190Phe)

Gene: CEP41 (centrosomal protein 41; minus strand). Cytogenetic location: 7q32.2.
Variant type: single nucleotide variant.
Coding change: c.568G>T on transcript NM_018718.3 (MANE Select); coding-DNA position 568, G replaced by T.
Protein change: p.Val190Phe; replaces valine 190 with phenylalanine.
Molecular consequence: missense variant. On other transcripts: non-coding transcript variant (1).
Genome position (GRCh38, 1-based): chr7:130,402,654, C>A on the plus strand (G>T on the coding strand, the complement: CEP41 is on the minus strand). VCF-style: chr7-130402654-C-A. GRCh37 (hg19) VCF-style: chr7-130042495-C-A.
Other names: c.568G>T, p.Val190Phe (NM_001257158.2); c.520G>T, p.Val174Phe (NM_001257159.2); short protein forms V174F, V190F.
Identifiers: ClinVar variation 1944076 (VCV001944076.2), dbSNP rs1554417253, ClinGen allele CA369288578.